The following is an entry in ClinVar:

NM_000540.3(RYR1):c.11778+3G>C

Gene: RYR1 (ryanodine receptor 1; plus strand). Cytogenetic location: 19q13.2.
Variant type: single nucleotide variant.
Coding change: c.11778+3G>C on transcript NM_000540.3 (MANE Select); 3 bases into the intron after coding-DNA position 11778, G replaced by C.
Molecular consequence: intron variant.
Genome position (GRCh38, 1-based): chr19:38,543,438, G>C. VCF-style: chr19-38543438-G-C. GRCh37 (hg19) VCF-style: chr19-39034078-G-C.
Other names: c.11763+3G>C (NM_001042723.2).
Identifiers: ClinVar variation 418462 (VCV000418462.14), dbSNP rs758215068, ClinGen allele CA057637.

ClinVar aggregate classification (germline): Uncertain significance. Review status: criteria provided, multiple submitters, no conflicts (2 of 4 stars). 9 submissions from 7 submitters: Uncertain significance (9). Last evaluated 2024-05-13.

Conditions:
Congenital multicore myopathy with external ophthalmoplegia (CMYO1B). Also called: Minicore myopathy with external ophthalmoplegia; Congenital myopathy 1B, autosomal recessive; Minicore myopathy; MULTIMINICORE DISEASE WITH EXTERNAL OPHTHALMOPLEGIA; MULTICORE MYOPATHY. Identifiers: Orphanet 598, Orphanet 98905, MedGen C1850674, MONDO:0009712, OMIM 255320, HP:0003789.
King Denborough syndrome (KDS). Identifiers: MedGen C1840365, MONDO:0020485, OMIM 619542.
Central core myopathy (CMYO1A). Also called: Central core disease; Myopathy, central fibrillar; CONGENITAL MYOPATHY 1A, AUTOSOMAL DOMINANT, WITH SUSCEPTIBILITY TO MALIGNANT HYPERTHERMIA. Identifiers: Orphanet 597, MedGen C5830701, MONDO:0007294, OMIM 117000.
Malignant hyperthermia, susceptibility to, 1 (MHS1). Also called: Anesthesia related hyperthermia; Malignant hyperpyrexia; Fulminating hyperpyrexia; Pharmacogenic myopathy; RYR1-Related Malignant Hyperthermia Susceptibility; Malignant hyperthermia suceptibility 1. Identifiers: Orphanet 423, MedGen C2930980, MONDO:0007783, OMIM 145600.
Congenital myopathy with fiber type disproportion. Also called: Congenital fiber-type disproportion myopathy; Congenital fiber-type disproportion. Identifiers: Orphanet 2020, MedGen C0546264, MONDO:0009711. Inheritance: all.
RYR1-related disorder. Also called: RYR1-related condition; RYR1-related disorders. Identifiers: MedGen CN239331.

Allele frequency attached by ClinVar (database versions not stated): ExAC 0.00001; gnomAD exomes 0.00001 and 0.00004; TOPMed 0.00002; gnomAD 0.00003 and 0.00004.
gnomAD v4.1: 65 of 1,614,118 alleles (0.004%); highest among the groups gnomAD compares: Non-Finnish European, 0.0054%; no homozygotes.

Submissions (9):

Color Diagnostics, LLC DBA Color Health
Classification: Uncertain significance for Malignant hyperthermia, susceptibility to, 1. Last evaluated: 2024-05-13. Review status: criteria provided, single submitter. Criteria: ACMG Guidelines, 2015. Collection method: clinical testing. Allele origin: germline.
Comment: This variant causes a G to C nucleotide substitution at the +3 position of intron 85 of the RYR1 gene. To our knowledge, RNA studies have not been reported for this variant. This variant has not been reported in individuals affected with RYR1-related disorders in the literature. This variant has been identified in 4/282892 chromosomes in the general population by the Genome Aggregation Database (gnomAD). The available evidence is insufficient to determine the role of this variant in disease conclusively. Therefore, this variant is classified as a Variant of Uncertain Significance.

Neuberg Centre For Genomic Medicine, NCGM
Classification: Uncertain significance for Central core myopathy. Last evaluated: 2023-06-22. Review status: criteria provided, single submitter. Criteria: ACMG Guidelines, 2015. Collection method: clinical testing. Allele origin: germline. Inheritance: Autosomal dominant inheritance. Affected: yes.
Comment: The observed splice region variant c.11778+3G>C in the RYR1 gene has not been reported previously as a pathogenic variant nor as a benign variant, to our knowledge. This variant is reported with the allele frequency 0.001% in the gnomAD Exomes. This variant has been reported to the ClinVar database as Uncertain Significance by multiple submitters. However, no details are available for independent assessment. This splice region variant in intron 85 affects the position three nucleotides downstream of exon 85. The variant is predicted to be damaging by SpliceAI prediction tool. For these reasons, this variant has been classified as Uncertain Significance VUS.

Labcorp Genetics (formerly Invitae), Labcorp
Classification: Uncertain significance for RYR1-related disorder. Last evaluated: 2022-09-06. Review status: criteria provided, single submitter. Criteria: Invitae Variant Classification Sherloc (09022015). Collection method: clinical testing. Allele origin: germline.
Comment: This sequence change falls in intron 85 of the RYR1 gene. It does not directly change the encoded amino acid sequence of the RYR1 protein. It affects a nucleotide within the consensus splice site. This variant is present in population databases (rs758215068, gnomAD 0.002%). This variant has not been reported in the literature in individuals affected with RYR1-related conditions. ClinVar contains an entry for this variant (Variation ID: 418462). Variants that disrupt the consensus splice site are a relatively common cause of aberrant splicing (PMID: 17576681, 9536098). Algorithms developed to predict the effect of sequence changes on RNA splicing suggest that this variant may create or strengthen a splice site. In summary, the available evidence is currently insufficient to determine the role of this variant in disease. Therefore, it has been classified as a Variant of Uncertain Significance.

Fulgent Genetics
Classification: Uncertain significance for Central core myopathy; Malignant hyperthermia, susceptibility to, 1; Congenital myopathy 4A, autosomal dominant; Congenital multicore myopathy with external ophthalmoplegia; King Denborough syndrome. Last evaluated: 2022-01-31. Review status: criteria provided, single submitter. Criteria: ACMG Guidelines, 2015. Collection method: clinical testing. Allele origin: unknown.

Revvity Omics, Revvity
Classification: Uncertain significance. Last evaluated: 2021-10-21. Review status: criteria provided, single submitter. Criteria: ACMG Guidelines, 2015. Collection method: clinical testing. Allele origin: germline.

GeneDx
Classification: Uncertain significance. Last evaluated: 2019-06-14. Review status: criteria provided, single submitter. Criteria: GeneDx Variant Classification Process June 2021. Collection method: clinical testing. Allele origin: germline. Affected: yes.
Comment: Has not been previously published as pathogenic or benign to our knowledge; In-silico analysis, which includes splice predictors and evolutionary conservation, is inconclusive as to whether the variant alters gene splicing. In the absence of RNA/functional studies, the actual effect of this sequence change is unknown.

Illumina Laboratory Services, Illumina
Classification: Uncertain significance for Congenital multicore myopathy with external ophthalmoplegia. Last evaluated: 2018-01-13. Review status: criteria provided, single submitter. Criteria: ICSL Variant Classification Criteria 13 December 2019. Collection method: clinical testing. Allele origin: germline.

Illumina Laboratory Services, Illumina
Classification: Uncertain significance for Malignant hyperthermia, susceptibility to, 1. Last evaluated: 2018-01-13. Review status: criteria provided, single submitter. Criteria: ICSL Variant Classification Criteria 13 December 2019. Collection method: clinical testing. Allele origin: germline.

Illumina Laboratory Services, Illumina
Classification: Uncertain significance for Central core myopathy. Last evaluated: 2018-01-13. Review status: criteria provided, single submitter. Criteria: ICSL Variant Classification Criteria 13 December 2019. Collection method: clinical testing. Allele origin: germline.

Literature cited by the submitters: PubMed 17576681 (cited by Labcorp Genetics (formerly Invitae), Labcorp); PubMed 9536098 (cited by Labcorp Genetics (formerly Invitae), Labcorp).